The following is an entry in ClinVar:

ClinVar aggregate classification (germline): Uncertain significance (1 of 4 stars; one submission).

Conditions:
Inborn genetic diseases. Identifiers: MedGen C0950123, MeSH D030342.

gnomAD v4.1: 20 of 1,614,062 alleles (0.0012%); highest among the groups gnomAD compares: South Asian, 0.0033%; no homozygotes.

Submission:

Ambry Genetics
Classification: Uncertain significance for Inborn genetic diseases. Last evaluated: 2024-12-04. Review status: criteria provided, single submitter. Criteria: Ambry Variant Classification Scheme 2023. Collection method: clinical testing. Allele origin: germline.
Comment: The p.R893W variant (also known as c.2677C>T), located in coding exon 12 of the BMPR2 gene, results from a C to T substitution at nucleotide position 2677. The arginine at codon 893 is replaced by tryptophan, an amino acid with dissimilar properties. This amino acid position is conserved. In addition, this alteration is predicted to be deleterious by in silico analysis. Based on the available evidence, the clinical significance of this variant remains unclear.

NM_001204.7(BMPR2):c.2677C>T (p.Arg893Trp)

Gene: BMPR2 (bone morphogenetic protein receptor type 2; plus strand). Cytogenetic location: 2q33.2.
Variant type: single nucleotide variant.
Coding change: c.2677C>T on transcript NM_001204.7 (MANE Select); coding-DNA position 2677, C replaced by T.
Protein change: p.Arg893Trp; replaces arginine 893 with tryptophan.
Molecular consequence: missense variant.
Genome position (GRCh38, 1-based): chr2:202,556,342, C>T. VCF-style: chr2-202556342-C-T. GRCh37 (hg19) VCF-style: chr2-203421065-C-T.
Other names: short protein forms R893W.
Identifiers: ClinVar variation 3481335 (VCV003481335.1).